The following is an entry in ClinVar:

ClinVar aggregate classification (germline): Benign/Likely benign. Review status: criteria provided, multiple submitters, no conflicts (2 of 4 stars). 13 submissions from 13 submitters: Benign (1); Likely benign (11). 1 of the submissions does not count toward it. Last evaluated 2026-08-01.

Conditions:
VPS13B-related disorder. Also called: VPS13B-related condition.
Inborn genetic diseases. Identifiers: MedGen C0950123, MeSH D030342.
Neutropenia, severe congenital, 1, autosomal dominant. Identifiers: MedGen C1859966, MONDO:0042490, OMIM 202700.
Cohen syndrome (COH1). Also called: PEPPER SYNDROME; Cutis verticis gyrata, retinitis pigmentosa, and sensorineural deafness. Identifiers: Orphanet 193, MedGen C0265223, MONDO:0008999, OMIM 216550.

Allele frequency attached by ClinVar (database versions not stated): 1000 Genomes Project 0.00080; gnomAD exomes 0.00154; 1000 Genomes Project 30x 0.00094; gnomAD 0.00154 and 0.00157; TOPMed 0.00156; ESP Exome Variant Server 0.00215; ExAC 0.00206.
gnomAD v4.1: 3,972 of 1,611,550 alleles (0.25%); highest among the groups gnomAD compares: Non-Finnish European, 0.31%; 6 homozygotes.

Submissions (13):

CeGaT Center for Human Genetics Tuebingen
Classification: Likely benign. Last evaluated: 2026-08-01. Review status: criteria provided, single submitter. Criteria: CeGaT Center For Human Genetics Tuebingen Variant Classification Criteria Version 2. Collection method: clinical testing. Allele origin: germline. Affected: yes. Observed: 12 variant alleles.
Comment: VPS13B: BP4

Women's Health and Genetics/Laboratory Corporation of America, LabCorp
Classification: Likely benign. Last evaluated: 2026-04-15. Review status: criteria provided, single submitter. Criteria: LabCorp Variant Classification Summary - May 2015. Collection method: clinical testing. Allele origin: germline.
Comment: Variant summary: VPS13B c.5980A>G (p.Ile1994Val) results in a conservative amino acid change in the encoded protein sequence. Algorithms developed to predict the effect of missense changes on protein structure and function are either unavailable or do not agree on the potential impact of this missense change. The variant allele was found at a frequency of 0.0015 in 246210 control chromosomes, predominantly at a frequency of 0.0027 within the Non-Finnish European subpopulation in the gnomAD database, including 1 homozygotes. The observed variant frequency within Non-Finnish European control individuals in the gnomAD database exceeds the estimated maximal expected allele frequency for disease-causing variants in VPS13B. To our knowledge, no occurrence of c.5980A>G in individuals affected with VPS13B-related conditions and no experimental evidence demonstrating its impact on protein function have been reported. ClinVar contains an entry for this variant (Variation ID: 95858). Based on the evidence outlined above, the variant was classified as likely benign.

Labcorp Genetics (formerly Invitae), Labcorp
Classification: Likely benign for Cohen syndrome. Last evaluated: 2026-02-01. Review status: criteria provided, single submitter. Criteria: Invitae Variant Classification Sherloc (09022015). Collection method: clinical testing. Allele origin: germline.

Mayo Clinic Laboratories, Mayo Clinic
Classification: Likely benign. Last evaluated: 2025-01-20. Review status: criteria provided, single submitter. Criteria: ACMG Guidelines, 2015. Collection method: clinical testing. Allele origin: germline. Observed: 8 variant alleles.
Comment: BS1, BP4

Blueprint Genetics
Classification: Likely benign. Last evaluated: 2024-11-26. Review status: criteria provided, single submitter. Criteria: ACMG Guidelines, 2015. Collection method: clinical testing. Allele origin: germline.

Ambry Genetics
Classification: Likely benign for Inborn genetic diseases. Last evaluated: 2021-05-28. Review status: criteria provided, single submitter. Criteria: Ambry Variant Classification Scheme 2023. Collection method: clinical testing. Allele origin: germline.

Genome-Nilou Lab
Classification: Likely benign for Cohen syndrome. Last evaluated: 2021-05-18. Review status: criteria provided, single submitter. Criteria: ACMG Guidelines, 2015. Collection method: clinical testing. Allele origin: germline. Affected: no.

Genetics and Molecular Pathology, SA Pathology
Classification: Likely benign for Neutropenia, severe congenital, 1, autosomal dominant. Last evaluated: 2020-06-03. Review status: criteria provided, single submitter. Criteria: ACMG Guidelines, 2015. Collection method: clinical testing. Allele origin: germline. Affected: yes.

GeneDx
Classification: Likely benign. Last evaluated: 2019-02-22. Review status: criteria provided, single submitter. Criteria: GeneDx Variant Classification Process June 2021. Collection method: clinical testing. Allele origin: germline. Affected: yes.
Comment: This variant is associated with the following publications: (PMID: 16648375)

Illumina Laboratory Services, Illumina
Classification: Likely benign for Cohen syndrome. Last evaluated: 2017-04-27. Review status: criteria provided, single submitter. Criteria: ICSL Variant Classification Criteria 13 December 2019. Collection method: clinical testing. Allele origin: germline.
Comment: This variant was observed as part of a predisposition screen in an ostensibly healthy population. A literature search was performed for the gene, cDNA change, and amino acid change (where applicable). Publications were found based on this search. The evidence from the literature, in combination with allele frequency data from public databases where available, was sufficient to determine this variant is unlikely to cause disease. Therefore, this variant is classified as likely benign.

Genetic Services Laboratory, University of Chicago
Classification: Likely benign. Last evaluated: 2015-11-19. Review status: criteria provided, single submitter. Criteria: ACMG Guidelines, 2015. Collection method: clinical testing. Allele origin: germline. Affected: no.

Eurofins Ntd Llc (ga)
Classification: Benign. Last evaluated: 2012-09-28. Review status: criteria provided, single submitter. Criteria: EGL Classification Definitions 2015. Collection method: clinical testing. Allele origin: germline. Observed: 2 variant alleles, 2 heterozygotes.

PreventionGenetics, part of Exact Sciences
Classification: Likely benign for VPS13B-related condition. Last evaluated: 2019-07-25. Review status: no assertion criteria provided. Collection method: clinical testing. Allele origin: germline. Not counted in ClinVar's aggregate classification.
Comment: This variant is classified as likely benign based on ACMG/AMP sequence variant interpretation guidelines (Richards et al. 2015 PMID: 25741868, with internal and published modifications).

Literature cited by the submitters: PubMed 16648375 (cited by Ambry Genetics and Illumina Laboratory Services, Illumina).

NM_152564.5(VPS13B):c.5905A>G (p.Ile1969Val)

Gene: VPS13B (vacuolar protein sorting 13 homolog B; plus strand). Cytogenetic location: 8q22.2.
Variant type: single nucleotide variant.
Coding change: c.5905A>G on transcript NM_152564.5 (MANE Select); coding-DNA position 5905, A replaced by G.
Protein change: p.Ile1969Val; replaces isoleucine 1969 with valine.
Molecular consequence: missense variant.
Genome position (GRCh38, 1-based): chr8:99,642,495, A>G. VCF-style: chr8-99642495-A-G. GRCh37 (hg19) VCF-style: chr8-100654723-A-G.
Other names: c.5905A>G (NM_152564.4); c.5980A>G, p.Ile1994Val (NM_017890.5); short protein forms I1969V.
Identifiers: ClinVar variation 95858 (VCV000095858.66), dbSNP rs139640224, ClinGen allele CA148953.